The following is an entry in ClinVar:

NM_002122.5(HLA-DQA1):c.82+1445T>G

Gene: HLA-DQA1 (major histocompatibility complex, class II, DQ alpha 1; plus strand). Cytogenetic location: 6p21.32.
Variant type: single nucleotide variant.
Coding change: c.82+1445T>G on transcript NM_002122.5 (MANE Select); 1445 bases into the intron after coding-DNA position 82, T replaced by G.
Molecular consequence: intron variant.
Genome position (GRCh38, 1-based): chr6:32,638,985, T>G. VCF-style: chr6-32638985-T-G. GRCh37 (hg19) VCF-style: chr6-32606762-T-G.
Identifiers: ClinVar variation 2656470 (VCV002656470.24), dbSNP rs147737004, ClinGen allele CA3743714.

ClinVar aggregate classification (germline): Benign (1 of 4 stars; one submission).

Allele frequency attached by ClinVar (database versions not stated): 1000 Genomes Project 0.00180; gnomAD 0.00198; 1000 Genomes Project 30x 0.00250; gnomAD exomes 0.00480; ExAC 0.01073.
gnomAD v4.1: 1,352 of 353,560 alleles (0.38%); highest among the groups gnomAD compares: South Asian, 1.3%; 369 homozygotes.

Submission:

CeGaT Center for Human Genetics Tuebingen
Classification: Benign. Last evaluated: 2023-04-01. Review status: criteria provided, single submitter. Criteria: CeGaT Center For Human Genetics Tuebingen Variant Classification Criteria Version 2. Collection method: clinical testing. Allele origin: germline. Affected: yes. Observed: 1 variant allele.
Comment: HLA-DQA1: BS1, BS2